The following is an entry in ClinVar:

NM_001080517.3(SETD5):c.2610_2625del (p.Pro871fs)

Gene: SETD5 (SET domain containing 5; plus strand). Cytogenetic location: 3p25.3.
Variant type: Deletion.
Coding change: c.2610_2625del on transcript NM_001080517.3 (MANE Select); coding-DNA positions 2610 to 2625, 16 bases deleted (ACCTGGCTCATCTCAC).
Protein change: p.Pro871fs; shifts the reading frame from proline 871.
Molecular consequence: frameshift variant.
Genome position (GRCh38, 1-based): chr3:9,464,558-9,464,573, ACCTGGCTCATCTCAC deleted; deleting any 16 consecutive bases within chr3:9,464,555-9,464,573 gives the same sequence; the c. name uses the placement nearest the transcript's 3' end. VCF-style (leftmost placement, unchanged base first): chr3-9464554-CCACACCTGGCTCATCT-C. GRCh37 (hg19) VCF-style: chr3-9506238-CCACACCTGGCTCATCT-C.
Other names: c.2316_2331del, p.Pro773fs (NM_001292043.2, NM_001349451.2); c.2706_2721del, p.Pro903fs (NM_001437633.1); c.2667_2682del, p.Pro890fs (NM_001437635.1); c.2610_2625del, p.Pro871fs (NM_001437643.1); c.2649_2664del, p.Pro884fs (NM_001437701.1); short protein forms P890fs, P903fs, P773fs, P871fs, P884fs.
Identifiers: ClinVar variation 4840377 (VCV004840377.1).

ClinVar aggregate classification (germline): Pathogenic (1 of 4 stars; one submission).

Conditions:
Inborn genetic diseases. Identifiers: MedGen C0950123, MeSH D030342.

Submission:

Ambry Genetics
Classification: Pathogenic for Inborn genetic diseases. Last evaluated: 2026-03-11. Review status: criteria provided, single submitter. Criteria: Ambry Variant Classification Scheme 2023. Collection method: clinical testing. Allele origin: germline.
Comment: The c.2610_2625del16 (p.P871Qfs*45) alteration, located in exon 18 (coding exon 16) of the SETD5 gene, consists of a deletion of 16 nucleotides from position 2610 to 2625, causing a translational frameshift with a predicted alternate stop codon after 45 amino acids.This variant is expected to result in loss of function by premature protein truncation or nonsense-mediated mRNA decay. This variant was not reported in population-based cohorts in the Genome Aggregation Database (gnomAD). Based on the available evidence, this alteration is classified as pathogenic.